The following is an entry in ClinVar:

NM_006086.4(TUBB3):c.511C>T (p.Pro171Ser)

Gene: TUBB3 (tubulin beta 3 class III; plus strand). Cytogenetic location: 16q24.3.
Variant type: single nucleotide variant.
Coding change: c.511C>T on transcript NM_006086.4 (MANE Select); coding-DNA position 511, C replaced by T.
Protein change: p.Pro171Ser; replaces proline 171 with serine.
Molecular consequence: missense variant.
Genome position (GRCh38, 1-based): chr16:89,934,962, C>T. VCF-style: chr16-89934962-C-T. GRCh37 (hg19) VCF-style: chr16-90001370-C-T.
Other names: c.295C>T, p.Pro99Ser (NM_001197181.2); short protein forms P171S, P99S.
Identifiers: ClinVar variation 5008437 (VCV005008437.1).

ClinVar aggregate classification (germline): Uncertain significance (1 of 4 stars; one submission).

Submission:

GeneDx
Classification: Uncertain significance. Last evaluated: 2026-03-03. Review status: criteria provided, single submitter. Criteria: GeneDx Variant Classification Process June 2021. Collection method: clinical testing. Allele origin: germline.
Comment: Not observed at significant frequency in large population cohorts (gnomAD); Missense variants in this gene are a common cause of disease and they are underrepresented in the general population; In silico analysis supports that this missense variant has a deleterious effect on protein structure/function; Has not been previously published as pathogenic or benign to our knowledge; This variant is associated with the following publications: (PMID: 20829227)